The following is an entry in ClinVar:

ClinVar aggregate classification (germline): Uncertain significance (1 of 4 stars; one submission).

Conditions:
Multiple mitochondrial dysfunctions syndrome 3 (MMDS3). Identifiers: Orphanet 363424, MedGen C3809165, MONDO:0014132, OMIM 615330.
Hereditary spastic paraplegia 74. Also called: Spastic paraplegia 74, autosomal recessive. Identifiers: Orphanet 468661, MedGen C5568837, MONDO:0014644, OMIM 616451.

gnomAD v4.1: 2 of 1,612,542 alleles (0.00012%); highest among the groups gnomAD compares: South Asian, 0.0011%; no homozygotes.

Submission:

Labcorp Genetics (formerly Invitae), Labcorp
Classification: Uncertain significance for Multiple mitochondrial dysfunctions syndrome 3; Hereditary spastic paraplegia 74. Last evaluated: 2025-01-02. Review status: criteria provided, single submitter. Criteria: Invitae Variant Classification Sherloc (09022015). Collection method: clinical testing. Allele origin: germline.
Comment: This sequence change replaces proline, which is neutral and non-polar, with serine, which is neutral and polar, at codon 330 of the IBA57 protein (p.Pro330Ser). This variant is present in population databases (no rsID available, gnomAD 0.003%). This variant has not been reported in the literature in individuals affected with IBA57-related conditions. Invitae Evidence Modeling of protein sequence and biophysical properties (such as structural, functional, and spatial information, amino acid conservation, physicochemical variation, residue mobility, and thermodynamic stability) has been performed for this missense variant. However, the output from this modeling did not meet the statistical confidence thresholds required to predict the impact of this variant on IBA57 protein function. In summary, the available evidence is currently insufficient to determine the role of this variant in disease. Therefore, it has been classified as a Variant of Uncertain Significance.

NM_001010867.4(IBA57):c.988C>T (p.Pro330Ser)

Gene: IBA57 (iron-sulfur cluster assembly factor IBA57; plus strand). Cytogenetic location: 1q42.13.
Variant type: single nucleotide variant.
Coding change: c.988C>T on transcript NM_001010867.4 (MANE Select); coding-DNA position 988, C replaced by T.
Protein change: p.Pro330Ser; replaces proline 330 with serine.
Molecular consequence: missense variant.
Genome position (GRCh38, 1-based): chr1:228,175,430, C>T. VCF-style: chr1-228175430-C-T. GRCh37 (hg19) VCF-style: chr1-228363131-C-T.
Other names: c.409C>T, p.Pro137Ser (NM_001310327.2); short protein forms P137S, P330S.
Identifiers: ClinVar variation 3762355 (VCV003762355.2).